The following is an entry in ClinVar:

NM_015028.4(TNIK):c.2849T>C (p.Val950Ala)

Gene: TNIK (TRAF2 and NCK interacting kinase; minus strand). Cytogenetic location: 3q26.2.
Variant type: single nucleotide variant.
Coding change: c.2849T>C on transcript NM_015028.4 (MANE Select); coding-DNA position 2849, T replaced by C.
Protein change: p.Val950Ala; replaces valine 950 with alanine.
Molecular consequence: missense variant.
Genome position (GRCh38, 1-based): chr3:171,087,379, A>G on the plus strand (T>C on the coding strand, the complement: TNIK is on the minus strand). VCF-style: chr3-171087379-A-G. GRCh37 (hg19) VCF-style: chr3-170805168-A-G.
Other names: c.2825T>C, p.Val942Ala (NM_001161560.3); c.2762T>C, p.Val921Ala (NM_001161561.3); c.2738T>C, p.Val913Ala (NM_001161562.3); c.2684T>C, p.Val895Ala (NM_001161563.3); c.2660T>C, p.Val887Ala (NM_001161564.3); c.2597T>C, p.Val866Ala (NM_001161565.3); c.2573T>C, p.Val858Ala (NM_001161566.3); short protein forms V858A, V866A, V887A, V895A, V913A, V921A, V942A, V950A.
Identifiers: ClinVar variation 4882090 (VCV004882090.2).

ClinVar aggregate classification (germline): Uncertain significance (1 of 4 stars; one submission).

gnomAD v4.1: 75 of 1,613,878 alleles (0.0046%); highest among the groups gnomAD compares: African/African-American, 0.081%; no homozygotes.

Submission:

Dasa
Classification: Uncertain significance. Last evaluated: 2025-03-08. Review status: criteria provided, single submitter. Criteria: DASA Assertion Criteria. Collection method: clinical testing. Allele origin: germline.
Comment: NM_015028.4(TNIK):c.2849T>C (p.Val950Ala) is a missense variant that results in the substitution of valine with alanine. This variant is rare in population databases. Computational prediction algorithms are consistent with a benign effect. The currently available literature and clinical evidence are not sufficient to establish a definitive association between this variant and the reported condition. Therefore, this variant is classified as a variant of uncertain significance.